The following is an entry in ClinVar:

NM_012193.4(FZD4):c.1047T>G (p.Ile349Met)

Genes: FZD4 (frizzled class receptor 4; minus strand), PRSS23 (serine protease 23; plus strand). Cytogenetic location: 11q14.2.
Variant type: single nucleotide variant.
Coding change: c.1047T>G on transcript NM_012193.4 (MANE Select); coding-DNA position 1047, T replaced by G.
Protein change: p.Ile349Met; replaces isoleucine 349 with methionine.
Molecular consequence: missense variant. On other transcripts: non-coding transcript variant (2).
Genome position (GRCh38, 1-based): chr11:86,951,709, A>C on the plus strand (T>G on the coding strand, the complement: FZD4 is on the minus strand). VCF-style: chr11-86951709-A-C. GRCh37 (hg19) VCF-style: chr11-86662751-A-C.
Other names: short protein forms I349M.
Identifiers: ClinVar variation 2808725 (VCV002808725.3), dbSNP rs756932392, ClinGen allele CA382013414.

ClinVar aggregate classification (germline): Uncertain significance (1 of 4 stars; one submission).

Allele frequency attached by ClinVar (database versions not stated): gnomAD exomes below 0.00001.
gnomAD v4.1: 2 of 1,614,198 alleles (0.00012%); highest among the groups gnomAD compares: African/African-American, 0.0027%; no homozygotes.

Submission:

Labcorp Genetics (formerly Invitae), Labcorp
Classification: Uncertain significance. Last evaluated: 2025-04-16. Review status: criteria provided, single submitter. Criteria: Invitae Variant Classification Sherloc (09022015). Collection method: clinical testing. Allele origin: germline.
Comment: This sequence change replaces isoleucine, which is neutral and non-polar, with methionine, which is neutral and non-polar, at codon 349 of the FZD4 protein (p.Ile349Met). This variant is not present in population databases (gnomAD no frequency). This variant has not been reported in the literature in individuals affected with FZD4-related conditions. ClinVar contains an entry for this variant (Variation ID: 2808725). Invitae Evidence Modeling of protein sequence and biophysical properties (such as structural, functional, and spatial information, amino acid conservation, physicochemical variation, residue mobility, and thermodynamic stability) indicates that this missense variant is not expected to disrupt FZD4 protein function with a negative predictive value of 80%. In summary, the available evidence is currently insufficient to determine the role of this variant in disease. Therefore, it has been classified as a Variant of Uncertain Significance.